The following is an entry in ClinVar:

ClinVar aggregate classification (germline): Conflicting classifications of pathogenicity. Review status: criteria provided, conflicting classifications (1 of 4 stars). 2 submissions from 2 submitters: Uncertain significance (1); Likely benign (1). Last evaluated 2025-01-21.

Conditions:
KIF1A related neurological disorder. Identifiers: MedGen CN312623, MONDO:0700055.
Hereditary spastic paraplegia 30. Identifiers: Orphanet 101010, MedGen C5235139, MONDO:0012476.
Neuropathy, hereditary sensory, type 2C. Also called: Hereditary sensory and autonomic neuropathy type IIC; KIF1A-Related HSAN2 (HSAN2C). Identifiers: Orphanet 970, MedGen C3280168, MONDO:0013634, OMIM 614213.
Intellectual disability, autosomal dominant 9 (NESCAVS). Also called: NESCAV SYNDROME; KIF1A-Related Neurodevelopmental Disorder. Identifiers: Orphanet 662367, MedGen C5393830, MONDO:0013656, OMIM 614255.

Allele frequency attached by ClinVar (database versions not stated): gnomAD exomes below 0.00001.
gnomAD v4.1: 1 of 1,611,774 alleles (0.000062%); highest among the groups gnomAD compares: Non-Finnish European, 0.000085%; no homozygotes.

Submissions (2):

Victorian Clinical Genetics Services, Murdoch Childrens Research Institute
Classification: Likely benign for KIF1A related neurological disorder. Last evaluated: 2025-01-21. Review status: criteria provided, single submitter. Criteria: ACMG Guidelines, 2015. Collection method: clinical testing. Allele origin: germline. Affected: yes.
Comment: This variant is classified as Likely benign. Evidence in support of pathogenic classification: Variant is present in gnomAD <0.01 (v4: 1 heterozygote(s), 0 homozygote(s)). Evidence in support of benign classification: This variant has moderate previous evidence of being benign in unrelated individuals. This variant has been reported in two individuals, one with seizures in infancy who inherited this variant from an unaffected parent, and another individual with cardiac symptoms (Invitae personal communication). This variant has also been observed in an individual with intellectual disability, constipation and behavioural/psychiatric abnormality who inherited this variant from an unaffected parent (VKGL personal communication). Additional information: Variant is predicted to result in a missense amino acid change from aspartic acid to asparagine; This variant is heterozygous; This gene is associated with both recessive and dominant disease. Genotype-phenotype correlation is currently unestablished. Missense variants tend to cluster within the kinesin motor domain and have been reported for autosomal dominant and recessive spastic paraplegia, and autosomal dominant NESCAV syndrome. Only the correlation for hereditary sensory neuropathy type IIC is established with all patients except for one, carrying null variants outside the motor domain (PMID: 32737135); Alternative amino acid change(s) at the same position are present in gnomAD (Highest alelle count: v4: 15 heterozygote(s), 0 homozygote(s)); No published segregation evidence has been identified for this variant; No published functional evidence has been identified for this variant; Another missense variant(s) comparable to the one identified in this case has inconclusive previous evidence for pathogenicity. An alternative variant, p.(Asp1131Glu) has been classified as a VUS by a clinical laboratory in ClinVar; Variant is not located in an established domain, motif, hotspot or informative constraint region; Missense variant with inconclusive in silico prediction and/or uninformative conservation; Dominant negative, loss of function and gain of function are known mechanisms of disease in this gene. Dominant negative effect has been shown to cause NESCAV syndrome (MIM#614255; OMIM). Both loss and gain of function mechanisms have been reported for variants causing spastic paraplegia 30 (MIM#610357, MIM#620607) and hereditary sensory neuropathy type IIC (MIM#614213) (PMIDs: 31488895, 31455732); Inheritance information for this variant is not currently available in this individual.

Labcorp Genetics (formerly Invitae), Labcorp
Classification: Uncertain significance for Hereditary spastic paraplegia 30; Neuropathy, hereditary sensory, type 2C; Intellectual disability, autosomal dominant 9. Last evaluated: 2022-12-02. Review status: criteria provided, single submitter. Criteria: Invitae Variant Classification Sherloc (09022015). Collection method: clinical testing. Allele origin: germline.
Comment: This variant is not present in population databases (gnomAD no frequency). This variant has not been reported in the literature in individuals affected with KIF1A-related conditions. This sequence change replaces aspartic acid, which is acidic and polar, with asparagine, which is neutral and polar, at codon 1030 of the KIF1A protein (p.Asp1030Asn). Advanced modeling of protein sequence and biophysical properties (such as structural, functional, and spatial information, amino acid conservation, physicochemical variation, residue mobility, and thermodynamic stability) performed at Invitae indicates that this missense variant is not expected to disrupt KIF1A protein function. In summary, the available evidence is currently insufficient to determine the role of this variant in disease. Therefore, it has been classified as a Variant of Uncertain Significance.

Literature cited by the submitters: PubMed 32737135 (cited by Victorian Clinical Genetics Services, Murdoch Childrens Research Institute); PubMed 31488895 (cited by Victorian Clinical Genetics Services, Murdoch Childrens Research Institute); PubMed 31455732 (cited by Victorian Clinical Genetics Services, Murdoch Childrens Research Institute).

NM_001244008.2(KIF1A):c.3391G>A (p.Asp1131Asn)

Gene: KIF1A (kinesin family member 1A; minus strand). Cytogenetic location: 2q37.3.
Variant type: single nucleotide variant.
Coding change: c.3391G>A on transcript NM_001244008.2 (MANE Select); coding-DNA position 3391, G replaced by A.
Protein change: p.Asp1131Asn; replaces aspartic acid 1131 with asparagine.
Molecular consequence: missense variant.
Genome position (GRCh38, 1-based): chr2:240,745,501, C>T on the plus strand (G>A on the coding strand, the complement: KIF1A is on the minus strand). VCF-style: chr2-240745501-C-T. GRCh37 (hg19) VCF-style: chr2-241684918-C-T.
Other names: c.3115G>A, p.Asp1039Asn (NM_001320705.2, NM_001330289.2, NM_001379638.1); c.3190G>A, p.Asp1064Asn (NM_001330290.2, NM_001379634.1, NM_001379635.1 and 1 more transcripts); c.3466G>A, p.Asp1156Asn (NM_001379631.1); c.3340G>A, p.Asp1114Asn (NM_001379632.1); c.3364G>A, p.Asp1122Asn (NM_001379633.1, NM_001379642.1, NM_001379645.1); c.3088G>A, p.Asp1030Asn (NM_001379636.1, NM_001379639.1, NM_001379641.1 and 6 more transcripts); c.3163G>A, p.Asp1055Asn (NM_001379637.1, NM_001379648.1); c.3085G>A, p.Asp1029Asn (NM_001379640.1); short protein forms D1029N, D1122N, D1131N, D1030N, D1039N, D1055N, D1064N, D1114N.
Identifiers: ClinVar variation 1937610 (VCV001937610.7), dbSNP rs2537277627, ClinGen allele CA351317551.
Genomic context (GRCh38, chr2:240,745,501, plus strand): 5'-AGAAGCCAAGTGGGGGGCCTCTGCCTGTGTTCTTCAGGGGCTCTGTGGAGAAGGCCTCGT[C>T]GTGGCGGTGGATGAAGCTGCAAAGCAGAGGAGATGCTTTGGTGTGGGGTGGGGGACTTGG-3'
Protein context (NP_001230937.1, residues 1121-1141): FCQFNFIHRH[Asp1131Asn]EAFSTEPLKN